The following is an entry in ClinVar:

NM_001605.3(AARS1):c.856G>A (p.Glu286Lys)

Gene: AARS1 (alanyl-tRNA synthetase 1; minus strand). Cytogenetic location: 16q22.1.
Variant type: single nucleotide variant.
Coding change: c.856G>A on transcript NM_001605.3 (MANE Select); coding-DNA position 856, G replaced by A.
Protein change: p.Glu286Lys; replaces glutamic acid 286 with lysine.
Molecular consequence: missense variant.
Genome position (GRCh38, 1-based): chr16:70,269,724, C>T on the plus strand (G>A on the coding strand, the complement: AARS1 is on the minus strand). VCF-style: chr16-70269724-C-T. GRCh37 (hg19) VCF-style: chr16-70303627-C-T.
Other names: short protein forms E286K.
Identifiers: ClinVar variation 1682272 (VCV001682272.9), dbSNP rs2152161761, ClinGen allele CA396564816.

ClinVar aggregate classification (germline): Uncertain significance. Review status: criteria provided, multiple submitters, no conflicts (2 of 4 stars). 2 submissions from 2 submitters: Uncertain significance (2). Last evaluated 2023-12-14.

Conditions:
Charcot-Marie-Tooth disease type 2. Also called: Charcot-Marie-Tooth type 2. Identifiers: Orphanet 64746, MedGen C0270914, MONDO:0018993.

Submissions (2):

Labcorp Genetics (formerly Invitae), Labcorp
Classification: Uncertain significance for Charcot-Marie-Tooth disease type 2. Last evaluated: 2023-12-14. Review status: criteria provided, single submitter. Criteria: Invitae Variant Classification Sherloc (09022015). Collection method: clinical testing. Allele origin: germline.
Comment: This sequence change replaces glutamic acid, which is acidic and polar, with lysine, which is basic and polar, at codon 286 of the AARS protein (p.Glu286Lys). This variant is not present in population databases (gnomAD no frequency). This variant has not been reported in the literature in individuals affected with AARS-related conditions. ClinVar contains an entry for this variant (Variation ID: 1682272). An algorithm developed to predict the effect of missense changes on protein structure and function (PolyPhen-2) suggests that this variant is likely to be tolerated. In summary, the available evidence is currently insufficient to determine the role of this variant in disease. Therefore, it has been classified as a Variant of Uncertain Significance.

GeneDx
Classification: Uncertain significance. Last evaluated: 2022-01-26. Review status: criteria provided, single submitter. Criteria: GeneDx Variant Classification Process June 2021. Collection method: clinical testing. Allele origin: germline. Affected: yes.
Comment: Not observed at significant frequency in large population cohorts (gnomAD); In silico analysis supports that this missense variant has a deleterious effect on protein structure/function; Has not been previously published as pathogenic or benign to our knowledge